The following is an entry in ClinVar:

ClinVar aggregate classification (germline): Uncertain significance (1 of 4 stars; one submission).

Conditions:
Myopathy, centronuclear, 2 (CNM2). Also called: MYOTUBULAR MYOPATHY, AUTOSOMAL RECESSIVE. Identifiers: Orphanet 169186, MedGen CN031787, MONDO:0009709, OMIM 255200.

Allele frequency attached by ClinVar (database versions not stated): gnomAD exomes 0.00002 and 0.00001; TOPMed 0.00002; ExAC 0.00001; gnomAD 0.00002.

Submission:

Labcorp Genetics (formerly Invitae), Labcorp
Classification: Uncertain significance for Myopathy, centronuclear, 2. Last evaluated: 2025-12-16. Review status: criteria provided, single submitter. Criteria: Invitae Variant Classification Sherloc (09022015). Collection method: clinical testing. Allele origin: germline.
Comment: This sequence change replaces alanine, which is neutral and non-polar, with valine, which is neutral and non-polar, at codon 471 of the BIN1 protein (p.Ala471Val). This variant is present in population databases (rs746346952, gnomAD 0.01%). This variant has not been reported in the literature in individuals affected with BIN1-related conditions. ClinVar contains an entry for this variant (Variation ID: 461704). An algorithm developed to predict the effect of missense changes on protein structure and function outputs the following: PolyPhen-2: "Benign". The valine amino acid residue is found in multiple mammalian species, which suggests that this missense change does not adversely affect protein function. In summary, the available evidence is currently insufficient to determine the role of this variant in disease. Therefore, it has been classified as a Variant of Uncertain Significance.

NM_139343.3(BIN1):c.1412C>T (p.Ala471Val)

Gene: BIN1 (bridging integrator 1; minus strand). Cytogenetic location: 2q14.3.
Variant type: single nucleotide variant.
Coding change: c.1412C>T on transcript NM_139343.3 (MANE Select); coding-DNA position 1412, C replaced by T.
Protein change: p.Ala471Val; replaces alanine 471 with valine.
Molecular consequence: missense variant. On other transcripts: intron variant (3).
Genome position (GRCh38, 1-based): chr2:127,051,203, G>A on the plus strand (C>T on the coding strand, the complement: BIN1 is on the minus strand). VCF-style: chr2-127051203-G-A. GRCh37 (hg19) VCF-style: chr2-127808779-G-A.
Other names: c.1043C>T, p.Ala348Val (NM_001320633.2); c.1172C>T, p.Ala391Val (NM_001320640.2); c.1319C>T, p.Ala440Val (NM_001320641.2); c.1331C>T, p.Ala444Val (NM_001320642.1); c.995C>T, p.Ala332Val (NM_004305.4); c.1283C>T, p.Ala428Val (NM_139344.3); c.1151C>T, p.Ala384Val (NM_139345.3); c.1124C>T, p.Ala375Val (NM_139346.3); and 7 more; short protein forms A471V, A332V, A391V, A348V, A360V, A428V, A440V, A317V.
Identifiers: ClinVar variation 461704 (VCV000461704.8), dbSNP rs746346952, ClinGen allele CA1857062.